The following is an entry in ClinVar:

NM_001330260.2(SCN8A):c.5282A>G (p.Tyr1761Cys)

Gene: SCN8A (sodium voltage-gated channel alpha subunit 8; plus strand). Cytogenetic location: 12q13.13.
Variant type: single nucleotide variant.
Coding change: c.5282A>G on transcript NM_001330260.2 (MANE Select); coding-DNA position 5282, A replaced by G.
Protein change: p.Tyr1761Cys; replaces tyrosine 1761 with cysteine.
Molecular consequence: missense variant.
Genome position (GRCh38, 1-based): chr12:51,806,768, A>G. VCF-style: chr12-51806768-A-G. GRCh37 (hg19) VCF-style: chr12-52200552-A-G.
Other names: c.5159A>G, p.Tyr1720Cys (NM_001177984.3, NM_001369788.1); c.5282A>G, p.Tyr1761Cys (NM_014191.4); short protein forms Y1720C, Y1761C.
Identifiers: ClinVar variation 3254875 (VCV003254875.1), dbSNP rs2540334634.

ClinVar aggregate classification (germline): Pathogenic (1 of 4 stars; one submission).

Conditions:
Developmental and epileptic encephalopathy, 13 (DEE13). Also called: Developmental and Epileptic Encephalopathy (SCN8A-DEE); Early infantile epileptic encephalopathy 13; SCN8A-Related Epilepsy. Identifiers: Orphanet 442835, MedGen C3281191, MONDO:0013801, OMIM 614558.

Submission:

Victorian Clinical Genetics Services, Murdoch Childrens Research Institute
Classification: Pathogenic for Developmental and epileptic encephalopathy, 13. Last evaluated: 2023-12-20. Review status: criteria provided, single submitter. Criteria: ACMG Guidelines, 2015. Collection method: clinical testing. Allele origin: germline. Inheritance: Autosomal dominant inheritance. Affected: yes.
Comment: Based on the classification scheme VCGS_Germline_v1.3.4, this variant is classified as Pathogenic. Following criteria are met: 0103 - Loss of function and gain of function are known mechanisms of disease in this gene, and are associated with cognitive impairment with or without cerebellar ataxia (MIM#614306), and developmental and epileptic encephalopathy 13 (MIM#614558), respectively. In addition, gain of function is speculated for benign familial infantile seizures, 5 (MIM#617080) (PMID: 31904124, OMIM). (I) 0107 - This gene is associated with autosomal dominant disease. (I) 0200 - Variant is predicted to result in a missense amino acid change from tyrosine to cysteine. (I) 0251 - This variant is heterozygous. (I) 0301 - Variant is absent from gnomAD (both v2 and v3). (SP) 0501 - Missense variant consistently predicted to be damaging by multiple in silico tools or highly conserved with a major amino acid change. (SP) 0603 - Missense variant in a region that is highly intolerant to missense variation (high constraint region in DECIPHER). (SP) 0704 - Another missense variant comparable to the one identified in this case has limited previous evidence for pathogenicity. p.(Tyr1761His) has been observed as de novo in an individual with intellectual disability and seizures (PMID: 34431999). (SP) 0807 - This variant has no previous evidence of pathogenicity. (I) 0905 - No published segregation evidence has been identified for this variant. (I) 1007 - No published functional evidence has been identified for this variant. (SP) Legend: (SP) - Supporting pathogenic, (I) - Information, (SB) - Supporting benign

Literature cited by the submitters: PubMed 31904124; PubMed 34431999.